The following is an entry in ClinVar:

NM_001330260.2(SCN8A):c.765G>T (p.Met255Ile)

Gene: SCN8A (sodium voltage-gated channel alpha subunit 8; plus strand). Cytogenetic location: 12q13.13.
Variant type: single nucleotide variant.
Coding change: c.765G>T on transcript NM_001330260.2 (MANE Select); coding-DNA position 765, G replaced by T.
Protein change: p.Met255Ile; replaces methionine 255 with isoleucine.
Molecular consequence: missense variant.
Genome position (GRCh38, 1-based): chr12:51,699,628, G>T. VCF-style: chr12-51699628-G-T. GRCh37 (hg19) VCF-style: chr12-52093412-G-T.
Other names: c.765G>T, p.Met255Ile (NM_001177984.3, NM_001369788.1, NM_014191.4); short protein forms M255I.
Identifiers: ClinVar variation 847572 (VCV000847572.10), dbSNP rs1941650264, ClinGen allele CA385226474.

ClinVar aggregate classification (germline): Likely pathogenic (1 of 4 stars; one submission).

Conditions:
Early-infantile DEE. Also called: Ohtahara syndrome; Early infantile epileptic encephalopathy with suppression bursts; Early infantile epileptic encephalopathy. Identifiers: Orphanet 1934, MedGen C0393706, MONDO:0800491.

Submission:

Labcorp Genetics (formerly Invitae), Labcorp
Classification: Likely pathogenic for Early-infantile DEE. Last evaluated: 2020-05-04. Review status: criteria provided, single submitter. Criteria: Invitae Variant Classification Sherloc (09022015). Collection method: clinical testing. Allele origin: germline.
Comment: In summary, the currently available evidence indicates that the variant is pathogenic, but additional data are needed to prove that conclusively. Therefore, this variant has been classified as Likely Pathogenic. Algorithms developed to predict the effect of missense changes on protein structure and function are either unavailable or do not agree on the potential impact of this missense change (SIFT: "Deleterious"; PolyPhen-2: "Probably Damaging"; Align-GVGD: "Class C0"). This variant has been observed in individual(s) with clinical features of early infantile epileptic encephalopathy (Invitae). In at least one individual the variant was observed to be de novo. This variant is not present in population databases (ExAC no frequency). This sequence change replaces methionine with isoleucine at codon 255 of the SCN8A protein (p.Met255Ile). The methionine residue is highly conserved and there is a small physicochemical difference between methionine and isoleucine.